The following is an entry in ClinVar:

NM_177438.3(DICER1):c.3581G>C (p.Arg1194Thr)

Gene: DICER1 (dicer 1, ribonuclease III; minus strand). Cytogenetic location: 14q32.13.
Variant type: single nucleotide variant.
Coding change: c.3581G>C on transcript NM_177438.3 (MANE Select); coding-DNA position 3581, G replaced by C.
Protein change: p.Arg1194Thr; replaces arginine 1194 with threonine.
Molecular consequence: missense variant. On other transcripts: non-coding transcript variant (6).
Genome position (GRCh38, 1-based): chr14:95,103,815, C>G on the plus strand (G>C on the coding strand, the complement: DICER1 is on the minus strand). VCF-style: chr14-95103815-C-G. GRCh37 (hg19) VCF-style: chr14-95570152-C-G.
Other names: c.3581G>C, p.Arg1194Thr (NM_001395684.1, NM_001395682.1, NM_001395683.1 and 12 more transcripts); c.3299G>C, p.Arg1100Thr (NM_001395686.1); c.3176G>C, p.Arg1059Thr (NM_001395688.1, NM_001395689.1, NM_001395687.1 and 2 more transcripts); c.1898G>C, p.Arg633Thr (NM_001395697.1); c.3014G>C, p.Arg1005Thr (NM_001395691.1); short protein forms R1100T, R1005T, R1059T, R633T, R1194T.
Identifiers: ClinVar variation 3272046 (VCV003272046.1).
Genomic context (GRCh38, chr14:95,103,815, plus strand): 5'-GTTGGTTGCACGGGTATTTCCTGCTTGTAGTAATTTAGCTGATTTCCTTGGCAAAAGTCT[C>G]TGTTAGCTAAATCATAACTGCCATTGGCGAGATTTTGATTGTAAGAAAGACCATTAATTG-3'
Protein context (NP_803187.1, residues 1184-1204): LANGSYDLAN[Arg1194Thr]DFCQGNQLNY

ClinVar aggregate classification (germline): Uncertain significance (1 of 4 stars; one submission).

Conditions:
Hereditary cancer-predisposing syndrome. Also called: Tumor predisposition; Hereditary Cancer Syndrome; Hereditary neoplastic syndrome; Neoplastic Syndromes, Hereditary. Identifiers: Orphanet 140162, MedGen C0027672, MeSH D009386, MONDO:0015356.

Submission:

Ambry Genetics
Classification: Uncertain significance for Hereditary cancer-predisposing syndrome. Last evaluated: 2024-06-05. Review status: criteria provided, single submitter. Criteria: Ambry Variant Classification Scheme 2023. Collection method: clinical testing. Allele origin: germline.
Comment: The p.R1194T variant (also known as c.3581G>C), located in coding exon 20 of the DICER1 gene, results from a G to C substitution at nucleotide position 3581. The arginine at codon 1194 is replaced by threonine, an amino acid with similar properties. This amino acid position is conserved. In addition, the in silico prediction for this alteration is inconclusive. Based on the available evidence, the clinical significance of this variant remains unclear.